The following is an entry in ClinVar:

ClinVar aggregate classification (germline): Uncertain significance. Review status: criteria provided, multiple submitters, no conflicts (2 of 4 stars). 2 submissions from 2 submitters: Uncertain significance (2). Last evaluated 2025-04-09.

Conditions:
Arrhythmogenic cardiomyopathy with wooly hair and keratoderma. Also called: Carvajal syndrome; PALMOPLANTAR KERATODERMA WITH LEFT VENTRICULAR CARDIOMYOPATHY AND WOOLLY HAIR; Dilated cardiomyopathy with woolly hair and keratoderma; Arrhythmogenic cardiomyopathy with woolly hair and keratoderma. Identifiers: Orphanet 65282, MedGen C1854063, MONDO:0011581, OMIM 605676.

Submissions (2):

GeneDx
Classification: Uncertain significance. Last evaluated: 2025-04-09. Review status: criteria provided, single submitter. Criteria: GeneDx Variant Classification Process June 2021. Collection method: clinical testing. Allele origin: germline. Affected: yes.
Comment: Not observed at significant frequency in large population cohorts (gnomAD); In silico analysis supports that this missense variant has a deleterious effect on protein structure/function; Has not been previously published as pathogenic or benign to our knowledge

All of Us Research Program, National Institutes of Health
Classification: Uncertain significance for Arrhythmogenic cardiomyopathy with wooly hair and keratoderma. Last evaluated: 2024-08-13. Review status: criteria provided, single submitter. Criteria: ACMG Guidelines, 2015. Collection method: clinical testing. Allele origin: germline. Inheritance: Autosomal dominant inheritance. Observed: 1 variant allele, 1 heterozygote.
Comment: This missense variant replaces glutamic acid with glutamine at codon 2795 of the DSP protein. Computational prediction is inconclusive regarding the impact of this variant on protein structure and function (internally defined REVEL score threshold 0.5 < inconclusive < 0.7, PMID: 27666373). To our knowledge, functional studies have not been reported for this variant. This variant has not been reported in individuals affected with DSP-related disorders in the literature. This variant has not been identified in the general population by the Genome Aggregation Database (gnomAD). The available evidence is insufficient to determine the role of this variant in disease conclusively. Therefore, this variant is classified as a Variant of Uncertain Significance.

This study involves interpretation of variants in research participants for the purpose of population health screening. Participant phenotype was not available at the time of variant classification. Additional details can be found in publication PMID: 35346344, PMCID: PMC8962531

NM_004415.4(DSP):c.8383G>C (p.Glu2795Gln)

Gene: DSP (desmoplakin; plus strand). Cytogenetic location: 6p24.3.
Variant type: single nucleotide variant.
Coding change: c.8383G>C on transcript NM_004415.4 (MANE Select); coding-DNA position 8383, G replaced by C.
Protein change: p.Glu2795Gln; replaces glutamic acid 2795 with glutamine.
Molecular consequence: missense variant.
Genome position (GRCh38, 1-based): chr6:7,585,645, G>C. VCF-style: chr6-7585645-G-C. GRCh37 (hg19) VCF-style: chr6-7585878-G-C.
Other names: c.6586G>C, p.Glu2196Gln (NM_001008844.3); c.7054G>C, p.Glu2352Gln (NM_001319034.2); short protein forms E2196Q, E2352Q, E2795Q.
Identifiers: ClinVar variation 3386736 (VCV003386736.2).